The following is an entry in ClinVar:

ClinVar aggregate classification (germline): Uncertain significance (1 of 4 stars; one submission).

Submission:

Labcorp Genetics (formerly Invitae), Labcorp
Classification: Uncertain significance. Last evaluated: 2022-08-23. Review status: criteria provided, single submitter. Criteria: Invitae Variant Classification Sherloc (09022015). Collection method: clinical testing. Allele origin: germline.
Comment: Advanced modeling of protein sequence and biophysical properties (such as structural, functional, and spatial information, amino acid conservation, physicochemical variation, residue mobility, and thermodynamic stability) performed at Invitae indicates that this missense variant is not expected to disrupt DUOX2 protein function. ClinVar contains an entry for this variant (Variation ID: 1352770). This variant has not been reported in the literature in individuals affected with DUOX2-related conditions. This variant is not present in population databases (gnomAD no frequency). This sequence change replaces serine, which is neutral and polar, with glycine, which is neutral and non-polar, at codon 1516 of the DUOX2 protein (p.Ser1516Gly). In summary, the available evidence is currently insufficient to determine the role of this variant in disease. Therefore, it has been classified as a Variant of Uncertain Significance.

NM_001363711.2(DUOX2):c.4546A>G (p.Ser1516Gly)

Gene: DUOX2 (dual oxidase 2; minus strand). Cytogenetic location: 15q21.1.
Variant type: single nucleotide variant.
Coding change: c.4546A>G on transcript NM_001363711.2 (MANE Select); coding-DNA position 4546, A replaced by G.
Protein change: p.Ser1516Gly; replaces serine 1516 with glycine.
Molecular consequence: missense variant.
Genome position (GRCh38, 1-based): chr15:45,094,251, T>C on the plus strand (A>G on the coding strand, the complement: DUOX2 is on the minus strand). VCF-style: chr15-45094251-T-C. GRCh37 (hg19) VCF-style: chr15-45386449-T-C.
Other names: c.4546A>G, p.Ser1516Gly (NM_014080.5); short protein forms S1516G.
Identifiers: ClinVar variation 1352770 (VCV001352770.6), dbSNP rs2141138624, ClinGen allele CA392249439.